The following is an entry in ClinVar:

NM_004360.5(CDH1):c.1138-4_1138-3delinsAA

Gene: CDH1 (cadherin 1; plus strand). Cytogenetic location: 16q22.1.
Variant type: Indel.
Coding change: c.1138-4_1138-3delinsAA on transcript NM_004360.5 (MANE Select); 4 bases into the intron before coding-DNA position 1138 through 3 bases into the intron before coding-DNA position 1138, GC replaced by AA.
Molecular consequence: intron variant.
Genome position (GRCh38, 1-based): chr16:68,813,309-68,813,310, GC replaced by AA. VCF-style: chr16-68813309-GC-AA. GRCh37 (hg19) VCF-style: chr16-68847212-GC-AA.
Other names: c.-478-4_-478-3delinsAA (NM_001317185.2); c.-682-4_-682-3delinsAA (NM_001317186.2); c.1137+1046_1137+1047delinsAA (NM_001317184.2).
Identifiers: ClinVar variation 3829988 (VCV003829988.1).
Genomic context (GRCh38, chr16:68,813,309, plus strand): 5'-CCTGAGACTCAGCTCTGCTAGCAGTCTTGGTACTTTGTAAATGACACATCTCTTTGCTCT[GC>AA]AGTACAAGGGTCAGGTGCCTGAGAACGAGGCTAACGTCGTAATCACCACACTGAAAGTGA-3'

ClinVar aggregate classification (germline): Uncertain significance (1 of 4 stars; one submission).

Conditions:
Hereditary cancer-predisposing syndrome. Also called: Hereditary neoplastic syndrome; Neoplastic Syndromes, Hereditary; Tumor predisposition; Hereditary Cancer Syndrome. Identifiers: Orphanet 140162, MedGen C0027672, MeSH D009386, MONDO:0015356.

Submission:

Ambry Genetics
Classification: Uncertain significance for Hereditary cancer-predisposing syndrome. Last evaluated: 2025-02-05. Review status: criteria provided, single submitter. Criteria: Ambry Variant Classification Scheme 2023. Collection method: clinical testing. Allele origin: germline.
Comment: The c.1138-4_1138-3delGCinsAA intronic variant begins 3 nucleotide(s) before coding exon 9 in the CDH1 gene. This variant results from a deletion of 2 nucleotides and the insertion of 2 nucleotides at positions c.1138-4 to c.1138-3. This nucleotide region is well conserved in available vertebrate species. In silico splice site analysis predicts that this alteration will not have any significant effect on splicing. Based on the available evidence, the clinical significance of this variant remains unclear.